The following is an entry in ClinVar:

ClinVar aggregate classification (germline): Conflicting classifications of pathogenicity. Review status: criteria provided, conflicting classifications (1 of 4 stars). 2 submissions from 2 submitters: Uncertain significance (1); Likely benign (1). Last evaluated 2025-07-25.

gnomAD v4.1: 1 of 1,601,426 alleles (0.000062%); no homozygotes.

Submissions (2):

Labcorp Genetics (formerly Invitae), Labcorp
Classification: Likely benign. Last evaluated: 2025-07-25. Review status: criteria provided, single submitter. Criteria: Invitae Variant Classification Sherloc (09022015). Collection method: clinical testing. Allele origin: germline.

Dasa
Classification: Uncertain significance. Last evaluated: 2025-04-21. Review status: criteria provided, single submitter. Criteria: DASA Assertion Criteria. Collection method: clinical testing. Allele origin: germline.
Comment: NM_018896.5(CACNA1G):c.3690+8C>T is a splice-region variant. This variant is rare in population databases. Computational prediction algorithms are consistent with a benign effect. The currently available literature and clinical evidence are not sufficient to establish a definitive association between this variant and the reported condition. Therefore, this variant is classified as a variant of uncertain significance.

NM_018896.5(CACNA1G):c.3690+8C>T

Gene: CACNA1G (calcium voltage-gated channel subunit alpha1 G; plus strand). Cytogenetic location: 17q21.33.
Variant type: single nucleotide variant.
Coding change: c.3690+8C>T on transcript NM_018896.5 (MANE Select); 8 bases into the intron after coding-DNA position 3690, C replaced by T.
Molecular consequence: intron variant.
Genome position (GRCh38, 1-based): chr17:50,599,867, C>T. VCF-style: chr17-50599867-C-T. GRCh37 (hg19) VCF-style: chr17-48677228-C-T.
Other names: c.3690+8C>T (NM_198378.3, NM_001256334.2, NM_198385.3 and 16 more transcripts); c.3621+8C>T (NM_198396.3, NM_198379.3, NM_198387.3 and 5 more transcripts).
Identifiers: ClinVar variation 4776431 (VCV004776431.3).